The following is an entry in ClinVar:

ClinVar aggregate classification (germline): Likely benign (1 of 4 stars; one submission).

gnomAD v4.1: 18 of 1,614,188 alleles (0.0011%); highest among the groups gnomAD compares: African/African-American, 0.0053%; no homozygotes.

Submission:

CeGaT Center for Human Genetics Tuebingen
Classification: Likely benign. Last evaluated: 2024-10-01. Review status: criteria provided, single submitter. Criteria: CeGaT Center For Human Genetics Tuebingen Variant Classification Criteria Version 2. Collection method: clinical testing. Allele origin: germline. Affected: yes. Observed: 1 variant allele.
Comment: FAT2: BP4

NM_001447.3(FAT2):c.3850G>A (p.Glu1284Lys)

Genes: FAT2 (FAT atypical cadherin 2; minus strand), SLC36A1 (solute carrier family 36 member 1; plus strand). Cytogenetic location: 5q33.1.
Variant type: single nucleotide variant.
Coding change: c.3850G>A on transcript NM_001447.3 (MANE Select); coding-DNA position 3850, G replaced by A.
Protein change: p.Glu1284Lys; replaces glutamic acid 1284 with lysine.
Molecular consequence: missense variant.
Genome position (GRCh38, 1-based): chr5:151,554,457, C>T on the plus strand (G>A on the coding strand, the complement: FAT2 is on the minus strand). VCF-style: chr5-151554457-C-T. GRCh37 (hg19) VCF-style: chr5-150934018-C-T.
Other names: short protein forms E1284K.
Identifiers: ClinVar variation 3388037 (VCV003388037.14).